The following is an entry in ClinVar:

ClinVar aggregate classification (germline): Pathogenic. Review status: criteria provided, multiple submitters, no conflicts (2 of 4 stars). 7 submissions from 7 submitters: Pathogenic (5). 2 of the submissions do not count toward it. Last evaluated 2024-06-06.

Conditions:
Glucocorticoid-remediable aldosteronism. Also called: Hyperaldosteronism, familial, type I; ACTH-DEPENDENT HYPERALDOSTERONISM SYNDROME; ALDOSTERONISM, SENSITIVE TO DEXAMETHASONE; FH I; GLUCOCORTICOID-SUPPRESSIBLE HYPERALDOSTERONISM. Identifiers: Orphanet 403, MedGen C3838731, MONDO:0007080, OMIM 103900.
Deficiency of steroid 11-beta-monooxygenase (CYP11B1). Also called: ADRENAL HYPERPLASIA, CONGENITAL, DUE TO STEROID 11-BETA-HYDROXYLASE DEFICIENCY; P450C11B1 DEFICIENCY; STEROID 11-BETA-HYDROXYLASE DEFICIENCY; 11-BETA-HYDROXYLASE DEFICIENCY; Congenital adrenal hyperplasia due to 11-beta-hydroxylase deficiency; ADRENAL HYPERPLASIA IV. Identifiers: Orphanet 90795, MedGen C0268292, MONDO:0008729, OMIM 202010. Disease mechanism: loss of function.

Allele frequency attached by ClinVar (database versions not stated): ExAC 0.00001; TOPMed 0.00001.

Submissions (7):

Labcorp Genetics (formerly Invitae), Labcorp
Classification: Pathogenic. Last evaluated: 2024-06-06. Review status: criteria provided, single submitter. Criteria: Invitae Variant Classification Sherloc (09022015). Collection method: clinical testing. Allele origin: germline.
Comment: This sequence change replaces threonine, which is neutral and polar, with methionine, which is neutral and non-polar, at codon 318 of the CYP11B1 protein (p.Thr318Met). This variant is present in population databases (rs104894061, gnomAD 0.003%). This missense change has been observed in individuals with autosomal recessive adrenal hyperplasia (PMID: 8506298, 10487675, 28228528). It has also been observed to segregate with disease in related individuals. ClinVar contains an entry for this variant (Variation ID: 1173). An algorithm developed to predict the effect of missense changes on protein structure and function (PolyPhen-2) suggests that this variant is likely to be disruptive. Experimental studies have shown that this missense change affects CYP11B1 function (PMID: 8506298). For these reasons, this variant has been classified as Pathogenic.

Fulgent Genetics
Classification: Pathogenic for Glucocorticoid-remediable aldosteronism; Deficiency of steroid 11-beta-monooxygenase. Last evaluated: 2024-05-17. Review status: criteria provided, single submitter. Criteria: ACMG Guidelines, 2015. Collection method: clinical testing. Allele origin: germline.

Baylor Genetics
Classification: Pathogenic for Deficiency of steroid 11-beta-monooxygenase. Last evaluated: 2024-01-19. Review status: criteria provided, single submitter. Criteria: ACMG Guidelines, 2015. Collection method: clinical testing. Allele origin: unknown.

Revvity Omics, Revvity
Classification: Pathogenic. Last evaluated: 2022-01-26. Review status: criteria provided, single submitter. Criteria: ACMG Guidelines, 2015. Collection method: clinical testing. Allele origin: germline.

Genomic Research Center, Shahid Beheshti University of Medical Sciences
Classification: Pathogenic for Deficiency of steroid 11-beta-monooxygenase. Last evaluated: 2018-08-07. Review status: criteria provided, single submitter. Criteria: ACMG Guidelines, 2015. Collection method: clinical testing. Allele origin: inherited. Affected: yes. Observed: 1 variant allele.

Clinical Laboratory Sciences Program (CLSP), King Saud bin Abdulaziz University for Health Sciences (KSAU-HS)
Classification: Pathogenic for Deficiency of steroid 11-beta-monooxygenase. Last evaluated: 2023-04-01. Review status: no assertion criteria provided. Collection method: clinical testing. Allele origin: germline. Affected: yes. Not counted in ClinVar's aggregate classification.

OMIM
Classification: Pathogenic for ADRENAL HYPERPLASIA, CONGENITAL, DUE TO STEROID 11-BETA-HYDROXYLASE DEFICIENCY. Last evaluated: 2009-07-01. Review status: no assertion criteria provided. Collection method: literature only. Allele origin: germline. Not counted in ClinVar's aggregate classification.

Literature cited by the submitters: PubMed 8506298 (cited by Labcorp Genetics (formerly Invitae), Labcorp); PubMed 10487675 (cited by Labcorp Genetics (formerly Invitae), Labcorp); PubMed 28228528 (cited by Labcorp Genetics (formerly Invitae), Labcorp); Pascoe, L., Curnow, K. M., White, P. C. Mutations in the CYP11B1 (11-beta-hydroxylase) and CYP11B2 (aldosterone synthase) genes causing CMOII deficiency, 11-hydroxylase deficiency and glucocorticoid suppressible hyperaldosteronism. (Abstract) Am. J. Hum. Genet. 51 (suppl.): A28, 1992. (cited by OMIM).

NM_000497.4(CYP11B1):c.953C>T (p.Thr318Met)

Genes: CYP11B1 (cytochrome P450 family 11 subfamily B member 1; minus strand), LOC106799833 (CYP11B1 recombination region; plus strand). Cytogenetic location: 8q24.3.
Variant type: single nucleotide variant.
Coding change: c.953C>T on transcript NM_000497.4 (MANE Select); coding-DNA position 953, C replaced by T.
Protein change: p.Thr318Met; replaces threonine 318 with methionine.
Molecular consequence: missense variant.
Genome position (GRCh38, 1-based): chr8:142,876,242, G>A on the plus strand (C>T on the coding strand, the complement: CYP11B1 is on the minus strand). VCF-style: chr8-142876242-G-A. GRCh37 (hg19) VCF-style: chr8-143957658-G-A.
Other names: c.953C>T, p.Thr318Met (NM_001026213.1); short protein forms T318M.
Identifiers: ClinVar variation 1173 (VCV000001173.34), dbSNP rs104894061, ClinGen allele CA339876.
Genomic context (GRCh38, chr8:142,876,242, plus strand): 5'-GTGCCTGGGAGGCAGGCTTGGCATCACCCTCTCTGGGTGGGGCTGGTTGCCGGCCTGACC[G>A]TGTCCACGCTCCCTGCAGTGAGTTCCATAGAGTTGGCCTTGATGGCATCTGGCGACAGTT-3'
Protein context (NP_000488.3, residues 308-328): SMELTAGSVD[Thr318Met]TVFPLLMTLF